The following is an entry in ClinVar:

NM_001195553.2(DCX):c.30_31del (p.Arg11_Asp12insTer)

Gene: DCX (doublecortin; minus strand). Cytogenetic location: Xq23.
Variant type: Deletion.
Coding change: c.30_31del on transcript NM_001195553.2 (MANE Select); coding-DNA positions 30 to 31, 2 bases deleted (AA; older notation c.30_31delAA).
Protein change: p.Arg11_Asp12insTer.
Molecular consequence: frameshift variant.
Genome position (GRCh38, 1-based): chrX:111,410,368-111,410,369, TT deleted on the plus strand (AA on the coding strand, the reverse complement: DCX is on the minus strand); deleting any 2 consecutive bases within chrX:111,410,368-111,410,370 gives the same sequence; the c. name uses the placement nearest the transcript's 3' end. VCF-style (leftmost placement, unchanged base first): chrX-111410367-CTT-C. GRCh37 (hg19) VCF-style: chrX-110653595-CTT-C.
Other names: c.273_274del, p.Arg92_Asp93insTer (NM_000555.3); c.30_31del, p.Arg11_Asp12insTer (NM_001369370.1, NM_001369371.1, NM_001369372.1 and 5 more transcripts).
Identifiers: ClinVar variation 426911 (VCV000426911.2), dbSNP rs1085307851, ClinGen allele CA645294135.

ClinVar aggregate classification (germline): Pathogenic (1 of 4 stars; one submission).

Submission:

GeneDx
Classification: Pathogenic. Last evaluated: 2017-03-28. Review status: criteria provided, single submitter. Criteria: GeneDx Variant Classification (06012015). Collection method: clinical testing. Allele origin: germline. Affected: yes.
Comment: The c.30_31delAA variant in the DCX gene has not been reported previously as a pathogenic variant nor as a benign variant, to our knowledge. The c.30_31delAA variant is predicted to change amino acid Aspartic acid 12 into a premature Stop codon, denoted p.Asp12Ter. This variant is predicted to cause loss of normal protein function either through protein truncation or nonsense-mediated mRNA decay. The c.30_31delAA variant is not observed in large population cohorts (Lek et al., 2016; 1000 Genomes Consortium et al., 2015; Exome Variant Server). We interpret c.30_31delAA as a pathogenic variant.